The following is an entry in ClinVar:

NM_000271.5(NPC1):c.325dup (p.Cys109fs)

Gene: NPC1 (NPC intracellular cholesterol transporter 1; minus strand). Cytogenetic location: 18q11.2.
Variant type: Duplication.
Coding change: c.325dup on transcript NM_000271.5 (MANE Select); coding-DNA position 325, one base duplicated (T; older notation c.325dupT).
Protein change: p.Cys109fs; shifts the reading frame from cysteine 109.
Molecular consequence: frameshift variant.
Genome position (GRCh38, 1-based): chr18:23,568,961, A duplicated on the plus strand (T on the coding strand, the reverse complement: NPC1 is on the minus strand); the first of 4 consecutive A bases (chr18:23,568,961-23,568,964); duplicating any one gives the same sequence. VCF-style (leftmost placement, unchanged base first): chr18-23568960-C-CA. GRCh37 (hg19) VCF-style: chr18-21148924-C-CA.
Other names: short protein forms C109fs.
Identifiers: ClinVar variation 4818065 (VCV004818065.1).

ClinVar aggregate classification (germline): Likely pathogenic (1 of 4 stars; one submission).

Conditions:
Niemann-Pick disease, type C1. Also called: NIEMANN-PICK DISEASE, VARIANT TYPE C1; NEUROVISCERAL STORAGE DISEASE WITH VERTICAL SUPRANUCLEAR OPHTHALMOPLEGIA; NIEMANN-PICK DISEASE WITH CHOLESTEROL ESTERIFICATION BLOCK; NIEMANN-PICK DISEASE WITHOUT SPHINGOMYELINASE DEFICIENCY; NIEMANN-PICK DISEASE, CHRONIC NEURONOPATHIC FORM. Identifiers: Orphanet 646, MedGen C3179455, MONDO:0009757, OMIM 257220.

Submission:

Natera, Inc.
Classification: Likely pathogenic for Niemann-Pick disease type C1. Last evaluated: 2025-07-07. Review status: criteria provided, single submitter. Criteria: Natera Variant Classification Schema (03/2026). Collection method: clinical testing. Allele origin: germline.
Comment: The c.325dup variant in NPC1 is a frameshift variant predicted to shift the reading frame beginning at codon 109 and leads to a stop codon 2 codons downstream. This variant is expected to result in nonsense mediated decay, truncation, or a dysfunctional protein product. This variant is rare in the general population with a frequency below the threshold expected for the associated phenotype(s). Given the available evidence, this variant is classified as Likely Pathogenic.